The following continues an entry in ClinVar:

NM_000053.4(ATP7B):c.3886G>A (p.Asp1296Asn)

Gene: ATP7B. ClinVar aggregate classification (germline): Conflicting classifications of pathogenicity. Pathogenic (1); Likely pathogenic (8); Uncertain significance (6).

Submissions 10 to 17 of 17:

Blueprint Genetics
Classification: Uncertain significance. Last evaluated: 2023-05-11. Review status: criteria provided, single submitter. Criteria: ACMG Guidelines, 2015. Collection method: clinical testing. Allele origin: germline.

Institute for Clinical Genetics, University Hospital TU Dresden, University Hospital TU Dresden
Classification: Likely pathogenic. Last evaluated: 2023-02-09. Review status: criteria provided, single submitter. Criteria: ACMG Guidelines, 2015. Collection method: clinical testing. Allele origin: germline.
Comment: PP3_STR, PM3_STR

Mayo Clinic Laboratories, Mayo Clinic
Classification: Likely pathogenic. Last evaluated: 2022-02-23. Review status: criteria provided, single submitter. Criteria: ACMG Guidelines, 2015. Collection method: clinical testing. Allele origin: germline. Observed: 1 variant allele.
Comment: PP1, PP3, PP4, PM2, PM3, PS4_moderate

Genome-Nilou Lab
Classification: Uncertain significance for Wilson disease. Last evaluated: 2021-08-10. Review status: criteria provided, single submitter. Criteria: ACMG Guidelines, 2015. Collection method: clinical testing. Allele origin: germline. Affected: no.

GeneDx
Classification: Uncertain significance. Last evaluated: 2020-02-26. Review status: criteria provided, single submitter. Criteria: GeneDx Variant Classification Process June 2021. Collection method: clinical testing. Allele origin: germline. Affected: yes.
Comment: In silico analysis, which includes protein predictors and evolutionary conservation, supports a deleterious effect; This variant is associated with the following publications: (PMID: 21707886, 20465995, 30956230, 32248359, 25637381, 22692182, 12032531, 18424137, 11954751, 30275481)

Soonchunhyang University Bucheon Hospital, Soonchunhyang University Medical Center
Classification: Likely pathogenic for Wilson disease. Last evaluated: 2016-03-18. Review status: criteria provided, single submitter. Criteria: ACMG Guidelines, 2015. Collection method: reference population. Allele origin: germline. Observed: 1 variant allele.

Counsyl
Classification: Uncertain significance for Wilson disease. Last evaluated: 2017-07-25. Review status: no assertion criteria provided. Collection method: clinical testing. Allele origin: unknown. Not counted in ClinVar's aggregate classification.

CSER _CC_NCGL, University of Washington
Classification: Uncertain significance for Wilson disease. Last evaluated: 2014-06-01. Review status: no assertion criteria provided. Collection method: research. Allele origin: germline. Inheritance: Autosomal recessive inheritance. Study: ESP 6500 variant annotation. Not counted in ClinVar's aggregate classification.
Comment: Variants classified for the Actionable exomic incidental findings in 6503 participants: challenges of variant classification manuscript

Literature cited by the submitters: PubMed 11954751 (cited by 8 submitters); PubMed 12032531 (cited by 6 submitters); PubMed 18424137 (cited by 7 submitters); PubMed 32618023 (cited by 6 submitters); PubMed 40661833 (cited by Myriad Genetics, Inc.); PubMed 21707886 (cited by 4 submitters); PubMed 20465995 (cited by 3 submitters); PubMed 33260258 (cited by Color Diagnostics, LLC DBA Color Health and All of Us Research Program, National Institutes of Health); PubMed 33948933 (cited by 3 submitters); PubMed 21645214 (cited by Women's Health and Genetics/Laboratory Corporation of America, LabCorp); PubMed 20045993 (cited by All of Us Research Program, National Institutes of Health); PubMed 22692182 (cited by Soonchunhyang University Bucheon Hospital, Soonchunhyang University Medical Center).